The following is an entry in ClinVar:

NM_000441.2(SLC26A4):c.1264-12T>A

Gene: SLC26A4 (solute carrier family 26 member 4; plus strand). Cytogenetic location: 7q22.3.
Variant type: single nucleotide variant.
Coding change: c.1264-12T>A on transcript NM_000441.2 (MANE Select); 12 bases into the intron before coding-DNA position 1264, T replaced by A.
Molecular consequence: intron variant.
Genome position (GRCh38, 1-based): chr7:107,694,391, T>A. VCF-style: chr7-107694391-T-A. GRCh37 (hg19) VCF-style: chr7-107334836-T-A.
Identifiers: ClinVar variation 1065209 (VCV001065209.4), dbSNP rs2129316889, ClinGen allele CA2499218634.
Genomic context (GRCh38, chr7:107,694,391, plus strand): 5'-CACACATCCAGTGAGCTGGAAGACACAAGGGAGAAGGACGAATCCTTTTCATAGGAGGTG[T>A]GTGTCTTCCAGGTTGCTGGCATCATCTCTGCTGCGATTGTGATGATCGCCATTCTTGCCC-3'

ClinVar aggregate classification (germline): Pathogenic/Likely pathogenic. Review status: criteria provided, multiple submitters, no conflicts (2 of 4 stars). 3 submissions from 3 submitters: Pathogenic (1); Likely pathogenic (1). 1 of the submissions does not count toward it. Last evaluated 2023-11-07.

Conditions:
Autosomal recessive nonsyndromic hearing loss 4 (DFNB4). Also called: FOXI1-Related Pendred Syndrome; KCNJ10-Related Pendred Syndrome; Enlarged vestibular aqueduct, digenic; NEUROSENSORY NONSYNDROMIC RECESSIVE DEAFNESS 4; Deafness, autosomal recessive 4, with enlarged vestibular aqueduct; Deafness, autosomal recessive 4. Identifiers: Orphanet 90636, MedGen C3538946, MONDO:0010933, OMIM 600791.
Pendred syndrome (PDS). Also called: THYROID DYSHORMONOGENESIS 2B; THYROID HORMONOGENESIS, GENETIC DEFECT IN, 2B; Pendred Syndrome (PDS); DEAFNESS WITH GOITER; GOITER-DEAFNESS SYNDROME; HYPOTHYROIDISM, CONGENITAL, DUE TO DYSHORMONOGENESIS, 2B. Identifiers: Orphanet 705, MedGen C0271829, MONDO:0010134, OMIM 274600.

Allele frequency attached by ClinVar (database versions not stated): gnomAD exomes below 0.00001.
gnomAD v4.1: 1 of 1,608,548 alleles (0.000062%); highest among the groups gnomAD compares: East Asian, 0.0022%; no homozygotes.

Submissions (3):

Baylor Genetics
Classification: Likely pathogenic for Autosomal recessive nonsyndromic hearing loss 4. Last evaluated: 2023-11-07. Review status: criteria provided, single submitter. Criteria: ACMG Guidelines, 2015. Collection method: clinical testing. Allele origin: unknown.

Juno Genomics, Hangzhou Juno Genomics, Inc
Classification: Pathogenic for Autosomal recessive nonsyndromic hearing loss 4; Pendred syndrome. Review status: criteria provided, single submitter. Criteria: ACMG Guidelines, 2015. Collection method: clinical testing. Allele origin: germline.
Comment: Absent from controls (or at extremely low frequency if recessive) in Genome Aggregation Database.;Multiple lines of computational evidence support a deleterious effect on the gene or gene product.;For recessive disorders, detected in trans with a pathogenic variant.;Patient's phenotype or family history is highly specific for a disease with a single genetic etiology.

Precision Medicine Center, Zhengzhou University
Classification: Pathogenic for Autosomal recessive nonsyndromic hearing loss 4. Review status: no assertion criteria provided. Collection method: research. Allele origin: germline. Affected: yes. Not counted in ClinVar's aggregate classification.
Comment: PM2: not found in gnomAD PM3_VeryStrong: Pathogenic mutation confirmed in trans in one patient and phase unknown in seven patients PP4: Patient's phenotype highly specific for gene